The following is an entry in ClinVar:

ClinVar aggregate classification (germline): Uncertain significance (1 of 4 stars; one submission).

gnomAD v4.1: 5 of 1,434,388 alleles (0.00035%); highest among the groups gnomAD compares: African/African-American, 0.0015%; no homozygotes.

Submission:

Labcorp Genetics (formerly Invitae), Labcorp
Classification: Uncertain significance. Last evaluated: 2024-05-20. Review status: criteria provided, single submitter. Criteria: Invitae Variant Classification Sherloc (09022015). Collection method: clinical testing. Allele origin: germline.
Comment: This sequence change replaces arginine, which is basic and polar, with tryptophan, which is neutral and slightly polar, at codon 3 of the SBF1 protein (p.Arg3Trp). This variant is not present in population databases (gnomAD no frequency). This variant has not been reported in the literature in individuals affected with SBF1-related conditions. An algorithm developed to predict the effect of missense changes on protein structure and function (PolyPhen-2) suggests that this variant is likely to be disruptive. In summary, the available evidence is currently insufficient to determine the role of this variant in disease. Therefore, it has been classified as a Variant of Uncertain Significance.

NM_002972.4(SBF1):c.7C>T (p.Arg3Trp)

Gene: SBF1 (SET binding factor 1; minus strand). Cytogenetic location: 22q13.33.
Variant type: single nucleotide variant.
Coding change: c.7C>T on transcript NM_002972.4 (MANE Select); coding-DNA position 7, C replaced by T.
Protein change: p.Arg3Trp; replaces arginine 3 with tryptophan.
Molecular consequence: missense variant.
Genome position (GRCh38, 1-based): chr22:50,474,834, G>A on the plus strand (C>T on the coding strand, the complement: SBF1 is on the minus strand). VCF-style: chr22-50474834-G-A. GRCh37 (hg19) VCF-style: chr22-50913263-G-A.
Other names: c.7C>T, p.Arg3Trp (NM_001365819.1, NM_001410794.1, NM_001410795.1); short protein forms R3W.
Identifiers: ClinVar variation 3680326 (VCV003680326.2).